The following is an entry in ClinVar:

ClinVar aggregate classification (germline): Uncertain significance (1 of 4 stars; one submission).

Conditions:
Mosaic variegated aneuploidy syndrome 1 (MVA1). Also called: Warburton-Anyane-Yeboa syndrome. Identifiers: Orphanet 1052, MedGen C1850343, MONDO:0009759, OMIM 257300.

Submission:

Labcorp Genetics (formerly Invitae), Labcorp
Classification: Uncertain significance for Mosaic variegated aneuploidy syndrome 1. Last evaluated: 2024-04-22. Review status: criteria provided, single submitter. Criteria: Invitae Variant Classification Sherloc (09022015). Collection method: clinical testing. Allele origin: germline.
Comment: This sequence change replaces arginine, which is basic and polar, with lysine, which is basic and polar, at codon 317 of the BUB1B protein (p.Arg317Lys). This variant is not present in population databases (gnomAD no frequency). This variant has not been reported in the literature in individuals affected with BUB1B-related conditions. ClinVar contains an entry for this variant (Variation ID: 1494508). An algorithm developed to predict the effect of missense changes on protein structure and function (PolyPhen-2) suggests that this variant is likely to be tolerated. Algorithms developed to predict the effect of sequence changes on RNA splicing suggest that this variant may create or strengthen a splice site. In summary, the available evidence is currently insufficient to determine the role of this variant in disease. Therefore, it has been classified as a Variant of Uncertain Significance.

NM_001211.6(BUB1B):c.950G>A (p.Arg317Lys)

Gene: BUB1B (BUB1 mitotic checkpoint serine/threonine kinase B; plus strand). Cytogenetic location: 15q15.1.
Variant type: single nucleotide variant.
Coding change: c.950G>A on transcript NM_001211.6 (MANE Select); coding-DNA position 950, G replaced by A.
Protein change: p.Arg317Lys; replaces arginine 317 with lysine.
Molecular consequence: missense variant.
Genome position (GRCh38, 1-based): chr15:40,185,363, G>A. VCF-style: chr15-40185363-G-A. GRCh37 (hg19) VCF-style: chr15-40477564-G-A.
Other names: short protein forms R317K.
Identifiers: ClinVar variation 1494508 (VCV001494508.6), dbSNP rs2140890864, ClinGen allele CA391684845.